The following is an entry in ClinVar:

ClinVar aggregate classification (germline): Uncertain significance. Review status: criteria provided, multiple submitters, no conflicts (2 of 4 stars). 3 submissions from 3 submitters: Uncertain significance (2). 1 of the submissions does not count toward it. Last evaluated 2025-12-02.

Conditions:
Inborn genetic diseases. Identifiers: MedGen C0950123, MeSH D030342.
Glycogen storage disease type III (GSD3). Also called: Cori disease; FORBES DISEASE. Identifiers: Orphanet 366, MedGen C0017922, MONDO:0009291, OMIM 232400.

Allele frequency attached by ClinVar (database versions not stated): gnomAD exomes below 0.00001 and 0.00001; ExAC 0.00001; gnomAD 0.00005 and 0.00007; TOPMed 0.00006; 1000 Genomes Project 0.00020; 1000 Genomes Project 30x 0.00031.
gnomAD v4.1: 13 of 1,614,130 alleles (0.00081%); highest among the groups gnomAD compares: African/African-American, 0.016%; no homozygotes.

Submissions (3):

Ambry Genetics
Classification: Uncertain significance for Inborn genetic diseases. Last evaluated: 2025-12-02. Review status: criteria provided, single submitter. Criteria: Ambry Variant Classification Scheme 2023. Collection method: clinical testing. Allele origin: germline.

Labcorp Genetics (formerly Invitae), Labcorp
Classification: Uncertain significance for Glycogen storage disease type III. Last evaluated: 2022-09-01. Review status: criteria provided, single submitter. Criteria: Invitae Variant Classification Sherloc (09022015). Collection method: clinical testing. Allele origin: germline.
Comment: This sequence change replaces leucine, which is neutral and non-polar, with arginine, which is basic and polar, at codon 1140 of the AGL protein (p.Leu1140Arg). This variant is present in population databases (rs568139822, gnomAD 0.02%). This variant has not been reported in the literature in individuals affected with AGL-related conditions. ClinVar contains an entry for this variant (Variation ID: 957549). Algorithms developed to predict the effect of missense changes on protein structure and function are either unavailable or do not agree on the potential impact of this missense change (SIFT: "Deleterious"; PolyPhen-2: "Probably Damaging"; Align-GVGD: "Class C0"). In summary, the available evidence is currently insufficient to determine the role of this variant in disease. Therefore, it has been classified as a Variant of Uncertain Significance.

Natera, Inc.
Classification: Uncertain significance for Glycogen storage disease type III. Last evaluated: 2020-03-24. Review status: no assertion criteria provided. Collection method: clinical testing. Allele origin: germline. Not counted in ClinVar's aggregate classification.

NM_000642.3(AGL):c.3419T>G (p.Leu1140Arg)

Gene: AGL (amylo-alpha-1,6-glucosidase and 4-alpha-glucanotransferase; plus strand). Cytogenetic location: 1p21.2.
Variant type: single nucleotide variant.
Coding change: c.3419T>G on transcript NM_000642.3 (MANE Select); coding-DNA position 3419, T replaced by G.
Protein change: p.Leu1140Arg; replaces leucine 1140 with arginine.
Molecular consequence: missense variant.
Genome position (GRCh38, 1-based): chr1:99,900,692, T>G. VCF-style: chr1-99900692-T-G. GRCh37 (hg19) VCF-style: chr1-100366248-T-G.
Other names: c.3419T>G, p.Leu1140Arg (NM_000028.3, NM_000643.3, NM_000644.3 and 1 more transcripts); c.3371T>G, p.Leu1124Arg (NM_000646.3); c.3398T>G, p.Leu1133Arg (NM_001425326.1); c.3218T>G, p.Leu1073Arg (NM_001425327.1); c.3215T>G, p.Leu1072Arg (NM_001425328.1); c.3080T>G, p.Leu1027Arg (NM_001425329.1); c.3041T>G, p.Leu1014Arg (NM_001425332.1); short protein forms L1124R, L1140R, L1014R, L1027R, L1072R, L1073R, L1133R.
Identifiers: ClinVar variation 957549 (VCV000957549.10), dbSNP rs568139822, ClinGen allele CA967077.